The following is an entry in ClinVar:

NM_001286445.3(RIPOR2):c.1523A>C (p.Glu508Ala)

Gene: RIPOR2 (RHO family interacting cell polarization regulator 2; minus strand). Cytogenetic location: 6p22.3.
Variant type: single nucleotide variant.
Coding change: c.1523A>C on transcript NM_001286445.3 (MANE Select); coding-DNA position 1523, A replaced by C.
Protein change: p.Glu508Ala; replaces glutamic acid 508 with alanine.
Molecular consequence: missense variant.
Genome position (GRCh38, 1-based): chr6:24,843,196, T>G on the plus strand (A>C on the coding strand, the complement: RIPOR2 is on the minus strand). VCF-style: chr6-24843196-T-G. GRCh37 (hg19) VCF-style: chr6-24843424-T-G.
Other names: c.1538A>C, p.Glu513Ala (NM_001286446.3); c.1436A>C, p.Glu479Ala (NM_001286447.2, NM_001346031.2, NM_001346032.2 and 1 more transcripts); c.1586A>C, p.Glu529Ala (NM_014722.5); short protein forms E479A, E508A, E513A, E529A.
Identifiers: ClinVar variation 1680503 (VCV001680503.8), dbSNP rs1761901156, ClinGen allele CA362994121.

ClinVar aggregate classification (germline): Uncertain significance (1 of 4 stars; one submission).

Submission:

Labcorp Genetics (formerly Invitae), Labcorp
Classification: Uncertain significance. Last evaluated: 2022-02-10. Review status: criteria provided, single submitter. Criteria: Invitae Variant Classification Sherloc (09022015). Collection method: clinical testing. Allele origin: germline.
Comment: This variant has not been reported in the literature in individuals affected with FAM65B-related conditions. In summary, the available evidence is currently insufficient to determine the role of this variant in disease. Therefore, it has been classified as a Variant of Uncertain Significance. Algorithms developed to predict the effect of missense changes on protein structure and function (SIFT, PolyPhen-2, Align-GVGD) all suggest that this variant is likely to be tolerated. This variant is not present in population databases (gnomAD no frequency). This sequence change replaces glutamic acid, which is acidic and polar, with alanine, which is neutral and non-polar, at codon 529 of the FAM65B protein (p.Glu529Ala).